The following is an entry in ClinVar:

ClinVar aggregate classification (germline): Likely benign (0 of 4 stars; one submission).

Conditions:
DLL1-related disorder. Also called: DLL1-related condition.

Allele frequency attached by ClinVar (database versions not stated): gnomAD exomes below 0.00001.
gnomAD v4.1: 2 of 1,595,564 alleles (0.00013%); highest among the groups gnomAD compares: South Asian, 0.0022%; no homozygotes.

Submission:

PreventionGenetics, part of Exact Sciences
Classification: Likely benign for DLL1-related condition. Last evaluated: 2022-11-17. Review status: no assertion criteria provided. Collection method: clinical testing. Allele origin: germline.
Comment: This variant is classified as likely benign based on ACMG/AMP sequence variant interpretation guidelines (Richards et al. 2015 PMID: 25741868, with internal and published modifications).

NM_005618.4(DLL1):c.1494G>A (p.Glu498=)

Gene: DLL1 (delta like canonical Notch ligand 1; minus strand). Cytogenetic location: 6q27.
Variant type: single nucleotide variant.
Coding change: c.1494G>A on transcript NM_005618.4 (MANE Select); coding-DNA position 1494, G replaced by A.
Protein change: p.Glu498=; no amino-acid change (glutamic acid 498 retained).
Molecular consequence: synonymous variant.
Genome position (GRCh38, 1-based): chr6:170,283,785, C>T on the plus strand (G>A on the coding strand, the complement: DLL1 is on the minus strand). VCF-style: chr6-170283785-C-T. GRCh37 (hg19) VCF-style: chr6-170592873-C-T.
Identifiers: ClinVar variation 3043889 (VCV003043889.2), dbSNP rs1239154804, ClinGen allele CA453614086.